The following is an entry in ClinVar:

NM_020549.5(CHAT):c.903T>C (p.Pro301=)

Gene: CHAT (choline O-acetyltransferase; plus strand). Cytogenetic location: 10q11.23.
Variant type: single nucleotide variant.
Coding change: c.903T>C on transcript NM_020549.5 (MANE Select); coding-DNA position 903, T replaced by C.
Protein change: p.Pro301=; no amino-acid change (proline 301 retained).
Molecular consequence: synonymous variant.
Genome position (GRCh38, 1-based): chr10:49,625,623, T>C. VCF-style: chr10-49625623-T-C. GRCh37 (hg19) VCF-style: chr10-50833669-T-C.
Other names: c.549T>C, p.Pro183= (NM_001142929.2, NM_001142934.2, NM_020984.4 and 2 more transcripts); c.657T>C, p.Pro219= (NM_001142933.2).
Identifiers: ClinVar variation 128727 (VCV000128727.21), dbSNP rs113897064, ClinGen allele CA152361.

ClinVar aggregate classification (germline): Benign. Review status: criteria provided, multiple submitters, no conflicts (2 of 4 stars). 5 submissions from 5 submitters: Benign (3). 2 of the submissions do not count toward it. Last evaluated 2026-02-03.

Conditions:
Familial infantile myasthenia (CMS6). Also called: MYASTHENIC SYNDROME, CONGENITAL, 6, PRESYNAPTIC; Congenital myasthenic syndrome type 6; MYASTHENIC SYNDROME, PRESYNAPTIC, CONGENITAL, ASSOCIATED WITH EPISODIC APNEA. Identifiers: Orphanet 590, MedGen C0393929, MONDO:0009689, OMIM 254210.

Allele frequency attached by ClinVar (database versions not stated): gnomAD exomes 0.00137 and 0.00378; ExAC 0.00781; 1000 Genomes Project 0.01238; gnomAD 0.01440 and 0.01548; 1000 Genomes Project 30x 0.01452; TOPMed 0.01631; ESP Exome Variant Server 0.01715.
gnomAD v4.1: 4,260 of 1,589,482 alleles (0.27%); highest among the groups gnomAD compares: African/African-American, 5%; 96 homozygotes.

Submissions (5):

Labcorp Genetics (formerly Invitae), Labcorp
Classification: Benign for Familial infantile myasthenia. Last evaluated: 2026-02-03. Review status: criteria provided, single submitter. Criteria: Invitae Variant Classification Sherloc (09022015). Collection method: clinical testing. Allele origin: germline.

GeneDx
Classification: Benign. Last evaluated: 2017-08-30. Review status: criteria provided, single submitter. Criteria: GeneDx Variant Classification (06012015). Collection method: clinical testing. Allele origin: germline. Affected: yes.
Comment: This variant is considered likely benign or benign based on one or more of the following criteria: it is a conservative change, it occurs at a poorly conserved position in the protein, it is predicted to be benign by multiple in silico algorithms, and/or has population frequency not consistent with disease.

Breakthrough Genomics
Classification: Benign. Review status: criteria provided, single submitter. Criteria: ACMG Guidelines, 2015. Collection method: not provided. Allele origin: germline. Inheritance: Autosomal recessive inheritance. Affected: yes.

Mayo Clinic Laboratories, Mayo Clinic
Classification: Benign. Last evaluated: 2017-09-18. Review status: no assertion criteria provided. Collection method: clinical testing. Allele origin: unknown. Not counted in ClinVar's aggregate classification.

Genetic Services Laboratory, University of Chicago
Classification: Likely benign for AllHighlyPenetrant. Review status: no assertion criteria provided. Collection method: clinical testing. Allele origin: germline. Inheritance: Autosomal recessive inheritance. Not counted in ClinVar's aggregate classification.
Comment: Likely benign based on allele frequency in 1000 Genomes Project or ESP global frequency and its presence in a patient with a rare or unrelated disease phenotype. NOT Sanger confirmed.